The following is an entry in ClinVar:

NM_005732.4(RAD50):c.1813G>A (p.Glu605Lys)

Gene: RAD50 (RAD50 double strand break repair protein; plus strand). Cytogenetic location: 5q31.1.
Variant type: single nucleotide variant.
Coding change: c.1813G>A on transcript NM_005732.4 (MANE Select); coding-DNA position 1813, G replaced by A.
Protein change: p.Glu605Lys; replaces glutamic acid 605 with lysine.
Molecular consequence: missense variant.
Genome position (GRCh38, 1-based): chr5:132,594,888, G>A. VCF-style: chr5-132594888-G-A. GRCh37 (hg19) VCF-style: chr5-131930580-G-A.
Other names: short protein forms E605K.
Identifiers: ClinVar variation 1005255 (VCV001005255.7), dbSNP rs1580996388, ClinGen allele CA360947448.

ClinVar aggregate classification (germline): Uncertain significance (1 of 4 stars; one submission).

Conditions:
Hereditary cancer-predisposing syndrome. Also called: Hereditary neoplastic syndrome; Neoplastic Syndromes, Hereditary; Tumor predisposition; Hereditary Cancer Syndrome. Identifiers: Orphanet 140162, MedGen C0027672, MeSH D009386, MONDO:0015356.

Submission:

Labcorp Genetics (formerly Invitae), Labcorp
Classification: Uncertain significance for Hereditary cancer-predisposing syndrome. Last evaluated: 2024-02-24. Review status: criteria provided, single submitter. Criteria: Invitae Variant Classification Sherloc (09022015). Collection method: clinical testing. Allele origin: germline.
Comment: This sequence change replaces glutamic acid, which is acidic and polar, with lysine, which is basic and polar, at codon 605 of the RAD50 protein (p.Glu605Lys). This variant is not present in population databases (gnomAD no frequency). This variant has not been reported in the literature in individuals affected with RAD50-related conditions. ClinVar contains an entry for this variant (Variation ID: 1005255). Advanced modeling of protein sequence and biophysical properties (such as structural, functional, and spatial information, amino acid conservation, physicochemical variation, residue mobility, and thermodynamic stability) performed at Invitae indicates that this missense variant is not expected to disrupt RAD50 protein function with a negative predictive value of 80%. In summary, the available evidence is currently insufficient to determine the role of this variant in disease. Therefore, it has been classified as a Variant of Uncertain Significance.